The following is an entry in ClinVar:

ClinVar aggregate classification (germline): Benign/Likely benign. Review status: criteria provided, multiple submitters, no conflicts (2 of 4 stars). 2 submissions from 2 submitters: Benign (1); Likely benign (1). Last evaluated 2026-07-01.

Allele frequency attached by ClinVar (database versions not stated): 1000 Genomes Project 0.00120; 1000 Genomes Project 30x 0.00125; TOPMed 0.00243; gnomAD 0.00372 and 0.00384; ExAC 0.00422; ESP Exome Variant Server 0.00423; gnomAD exomes 0.00432.
gnomAD v4.1: 6,669 of 1,614,038 alleles (0.41%); highest among the groups gnomAD compares: Non-Finnish European, 0.44%; 28 homozygotes.

Submissions (2):

CeGaT Center for Human Genetics Tuebingen
Classification: Likely benign. Last evaluated: 2026-07-01. Review status: criteria provided, single submitter. Criteria: CeGaT Center For Human Genetics Tuebingen Variant Classification Criteria Version 2. Collection method: clinical testing. Allele origin: germline. Affected: yes. Observed: 3 variant alleles.
Comment: AGGF1: BP4, BP7, BS2

Labcorp Genetics (formerly Invitae), Labcorp
Classification: Benign. Last evaluated: 2018-03-30. Review status: criteria provided, single submitter. Criteria: Invitae Variant Classification Sherloc (09022015). Collection method: clinical testing. Allele origin: germline.

NM_018046.5(AGGF1):c.1146T>C (p.Tyr382=)

Gene: AGGF1 (angiogenic factor with G-patch and FHA domains 1; plus strand). Cytogenetic location: 5q13.3.
Variant type: single nucleotide variant.
Coding change: c.1146T>C on transcript NM_018046.5 (MANE Select); coding-DNA position 1146, T replaced by C.
Protein change: p.Tyr382=; no amino-acid change (tyrosine 382 retained).
Molecular consequence: synonymous variant.
Genome position (GRCh38, 1-based): chr5:77,046,622, T>C. VCF-style: chr5-77046622-T-C. GRCh37 (hg19) VCF-style: chr5-76342447-T-C.
Identifiers: ClinVar variation 777169 (VCV000777169.27), dbSNP rs61736982, ClinGen allele CA3314365.